The following is an entry in ClinVar:

ClinVar aggregate classification (germline): Benign. Review status: criteria provided, multiple submitters, no conflicts (2 of 4 stars). 7 submissions from 6 submitters: Benign (7). Last evaluated 2026-02-04.

Conditions:
Isolated focal non-epidermolytic palmoplantar keratoderma. Also called: Palmoplantar keratoderma, nonepidermolytic, focal 2. Identifiers: Orphanet 448264, MedGen C4225339, MONDO:0014622, OMIM 616400.
Olmsted syndrome 1. Identifiers: Orphanet 659, MedGen C5542829, MONDO:0100296, OMIM 614594.

Allele frequency attached by ClinVar (database versions not stated): ESP Exome Variant Server 0.51469; gnomAD 0.52296; TOPMed 0.53418; 1000 Genomes Project 30x 0.57698; 1000 Genomes Project 0.57907.
gnomAD v4.1: 967,555 of 1,613,640 alleles (60%); highest among the groups gnomAD compares: Admixed American, 75%; 295,847 homozygotes.

Submissions (7):

Labcorp Genetics (formerly Invitae), Labcorp
Classification: Benign. Last evaluated: 2026-02-04. Review status: criteria provided, single submitter. Criteria: Invitae Variant Classification Sherloc (09022015). Collection method: clinical testing. Allele origin: germline.

Blueprint Genetics
Classification: Benign. Last evaluated: 2024-11-28. Review status: criteria provided, single submitter. Criteria: ACMG Guidelines, 2015. Collection method: clinical testing. Allele origin: germline.

Genome-Nilou Lab
Classification: Benign for Isolated focal non-epidermolytic palmoplantar keratoderma. Last evaluated: 2021-09-10. Review status: criteria provided, single submitter. Criteria: ACMG Guidelines, 2015. Collection method: clinical testing. Allele origin: germline. Affected: no.

Genome-Nilou Lab
Classification: Benign for Olmsted syndrome 1. Last evaluated: 2021-09-10. Review status: criteria provided, single submitter. Criteria: ACMG Guidelines, 2015. Collection method: clinical testing. Allele origin: germline. Affected: no.

GeneDx
Classification: Benign. Last evaluated: 2018-11-12. Review status: criteria provided, single submitter. Criteria: GeneDx Variant Classification Process June 2021. Collection method: clinical testing. Allele origin: germline. Affected: yes.

Illumina Laboratory Services, Illumina
Classification: Benign for Isolated focal non-epidermolytic palmoplantar keratoderma. Last evaluated: 2018-01-13. Review status: criteria provided, single submitter. Criteria: ICSL Variant Classification Criteria 13 December 2019. Collection method: clinical testing. Allele origin: germline.
Comment: This variant was observed in the ICSL laboratory as part of a predisposition screen in an ostensibly healthy population. It had not been previously curated by ICSL or reported in the Human Gene Mutation Database (HGMD: prior to June 1st, 2018), and was therefore a candidate for classification through an automated scoring system. Utilizing variant allele frequency, disease prevalence and penetrance estimates, and inheritance mode, an automated score was calculated to assess if this variant is too frequent to cause the disease. Based on the score and internal cut-off values, a variant classified as benign is not then subjected to further curation. The score for this variant resulted in a classification of benign for this disease.

Breakthrough Genomics
Classification: Benign. Review status: criteria provided, single submitter. Criteria: ACMG Guidelines, 2015. Collection method: not provided. Allele origin: germline. Inheritance: Autosomal dominant inheritance. Affected: yes.

NM_145068.4(TRPV3):c.558A>C (p.Ile186=)

Gene: TRPV3 (transient receptor potential cation channel subfamily V member 3; minus strand). Cytogenetic location: 17p13.2.
Variant type: single nucleotide variant.
Coding change: c.558A>C on transcript NM_145068.4 (MANE Select); coding-DNA position 558, A replaced by C.
Protein change: p.Ile186=; no amino-acid change (isoleucine 186 retained).
Molecular consequence: synonymous variant.
Genome position (GRCh38, 1-based): chr17:3,542,607, T>G on the plus strand (A>C on the coding strand, the complement: TRPV3 is on the minus strand). VCF-style: chr17-3542607-T-G. GRCh37 (hg19) VCF-style: chr17-3445901-T-G.
Other names: c.558A>C, p.Ile186= (NM_001258205.2).
Identifiers: ClinVar variation 322788 (VCV000322788.18), dbSNP rs11078458, ClinGen allele CA8289806.